The following is an entry in ClinVar:

NM_004100.5(EYA4):c.899C>A (p.Ala300Asp)

Gene: EYA4 (EYA transcriptional coactivator and phosphatase 4; plus strand). Cytogenetic location: 6q23.2.
Variant type: single nucleotide variant.
Coding change: c.899C>A on transcript NM_004100.5 (MANE Select); coding-DNA position 899, C replaced by A.
Protein change: p.Ala300Asp; replaces alanine 300 with aspartic acid.
Molecular consequence: missense variant.
Genome position (GRCh38, 1-based): chr6:133,468,660, C>A. VCF-style: chr6-133468660-C-A. GRCh37 (hg19) VCF-style: chr6-133789798-C-A.
Other names: c.737C>A, p.Ala246Asp (NM_001301012.2, NM_001370459.1); c.899C>A, p.Ala300Asp (NM_001301013.2, NM_172105.4); c.830C>A, p.Ala277Asp (NM_001370458.1, NM_172103.4); short protein forms A300D, A246D, A277D.
Identifiers: ClinVar variation 702485 (VCV000702485.20), dbSNP rs757252384, ClinGen allele CA4008185.

ClinVar aggregate classification (germline): Conflicting classifications of pathogenicity. Review status: criteria provided, conflicting classifications (1 of 4 stars). 6 submissions from 5 submitters: Uncertain significance (1); Likely benign (5). Last evaluated 2026-09-17.

Conditions:
EYA4-related disorder. Also called: EYA4-related disorders; EYA4-related condition. Identifiers: MedGen CN239388.
Cardiovascular phenotype. Identifiers: MedGen CN230736.
Autosomal dominant nonsyndromic hearing loss 10. Identifiers: Orphanet 90635, MedGen C1832476, MONDO:0011031, OMIM 601316.
Dilated cardiomyopathy 1J (CMD1J). Also called: CARDIOMYOPATHY, DILATED, WITH SENSORINEURAL HEARING LOSS, AUTOSOMAL DOMINANT. Identifiers: Orphanet 217622, MedGen C1854368, MONDO:0011541, OMIM 605362.

Allele frequency attached by ClinVar (database versions not stated): gnomAD exomes 0.00008 and 0.00016; 1000 Genomes Project 30x 0.00016; ExAC 0.00020; gnomAD below 0.00001 and 0.00006; TOPMed 0.00001.
gnomAD v4.1: 127 of 1,612,752 alleles (0.0079%); highest among the groups gnomAD compares: South Asian, 0.13%; 3 homozygotes.

Submissions (6):

PreventionGenetics, part of Exact Sciences
Classification: Likely benign for EYA4-related condition. Last evaluated: 2026-09-17. Review status: criteria provided, single submitter. Criteria: ACMG Guidelines, 2015. Collection method: clinical testing. Allele origin: germline.
Comment: This variant is classified as likely benign based on ACMG/AMP sequence variant interpretation guidelines (Richards et al. 2015 PMID: 25741868, with internal and published modifications).

Labcorp Genetics (formerly Invitae), Labcorp
Classification: Likely benign for Dilated cardiomyopathy 1J. Last evaluated: 2025-12-29. Review status: criteria provided, single submitter. Criteria: Invitae Variant Classification Sherloc (09022015). Collection method: clinical testing. Allele origin: germline.

Ambry Genetics
Classification: Likely benign for Cardiovascular phenotype. Last evaluated: 2025-05-08. Review status: criteria provided, single submitter. Criteria: Ambry Variant Classification Scheme 2023. Collection method: clinical testing. Allele origin: germline.

Blueprint Genetics
Classification: Likely benign. Last evaluated: 2024-07-09. Review status: criteria provided, single submitter. Criteria: ACMG Guidelines, 2015. Collection method: clinical testing. Allele origin: germline.

Illumina Laboratory Services, Illumina
Classification: Likely benign for Autosomal dominant nonsyndromic hearing loss 10. Last evaluated: 2018-01-12. Review status: criteria provided, single submitter. Criteria: ICSL Variant Classification Criteria 13 December 2019. Collection method: clinical testing. Allele origin: germline.
Comment: This variant was observed in the ICSL laboratory as part of a predisposition screen in an ostensibly healthy population. It had not been previously curated by ICSL or reported in the Human Gene Mutation Database (HGMD: prior to June 1st, 2018), and was therefore a candidate for classification through an automated scoring system. Utilizing variant allele frequency, disease prevalence and penetrance estimates, and inheritance mode, an automated score was calculated to assess if this variant is too frequent to cause the disease. Based on the score and internal cut-off values, a variant classified as likely benign is not then subjected to further curation. The score for this variant resulted in a classification of likely benign for this disease.

Illumina Laboratory Services, Illumina
Classification: Uncertain significance for Dilated cardiomyopathy 1J. Last evaluated: 2018-01-12. Review status: criteria provided, single submitter. Criteria: ICSL Variant Classification Criteria 13 December 2019. Collection method: clinical testing. Allele origin: germline.

Literature cited by the submitters: PubMed 39271758 (cited by Ambry Genetics).